The following is an entry in ClinVar:

ClinVar aggregate classification (germline): Conflicting classifications of pathogenicity. Review status: criteria provided, conflicting classifications (1 of 4 stars). 2 submissions from 2 submitters: Uncertain significance (1); Likely benign (1). Last evaluated 2023-08-11.

Conditions:
Dyskeratosis congenita. Identifiers: Orphanet 1775, MedGen C0265965, MONDO:0015780.

Allele frequency attached by ClinVar (database versions not stated): gnomAD exomes below 0.00001.
gnomAD v4.1: 2 of 1,194,777 alleles (0.00017%); highest among the groups gnomAD compares: Non-Finnish European, 0.00023%; no homozygotes.

Submissions (2):

Blueprint Genetics
Classification: Likely benign. Last evaluated: 2023-08-11. Review status: criteria provided, single submitter. Criteria: ACMG Guidelines, 2015. Collection method: clinical testing. Allele origin: germline.

Labcorp Genetics (formerly Invitae), Labcorp
Classification: Uncertain significance for Dyskeratosis congenita. Last evaluated: 2023-04-30. Review status: criteria provided, single submitter. Criteria: Invitae Variant Classification Sherloc (09022015). Collection method: clinical testing. Allele origin: germline.
Comment: In summary, the available evidence is currently insufficient to determine the role of this variant in disease. Therefore, it has been classified as a Variant of Uncertain Significance. Advanced modeling of protein sequence and biophysical properties (such as structural, functional, and spatial information, amino acid conservation, physicochemical variation, residue mobility, and thermodynamic stability) performed at Invitae indicates that this missense variant is not expected to disrupt DKC1 protein function. This variant has not been reported in the literature in individuals affected with DKC1-related conditions. This variant is not present in population databases (gnomAD no frequency). This sequence change replaces glutamic acid, which is acidic and polar, with lysine, which is basic and polar, at codon 488 of the DKC1 protein (p.Glu488Lys).

NM_001363.5(DKC1):c.1462G>A (p.Glu488Lys)

Gene: DKC1 (dyskerin pseudouridine synthase 1; plus strand). Cytogenetic location: Xq28.
Variant type: single nucleotide variant.
Coding change: c.1462G>A on transcript NM_001363.5 (MANE Select); coding-DNA position 1462, G replaced by A.
Protein change: p.Glu488Lys; replaces glutamic acid 488 with lysine.
Molecular consequence: missense variant. On other transcripts: 3 prime UTR variant (1), non-coding transcript variant (3).
Genome position (GRCh38, 1-based): chrX:154,776,310, G>A. VCF-style: chrX-154776310-G-A. GRCh37 (hg19) VCF-style: chrX-154004585-G-A.
Other names: c.1447G>A, p.Glu483Lys (NM_001142463.3); c.*688G>A (NM_001288747.2); short protein forms E483K, E488K.
Identifiers: ClinVar variation 2699570 (VCV002699570.2), dbSNP rs782486294, ClinGen allele CA414900418.